The following is an entry in ClinVar:

ClinVar aggregate classification (germline): Uncertain significance (1 of 4 stars; one submission).

Conditions:
Cardiovascular phenotype. Identifiers: MedGen CN230736.

Allele frequency attached by ClinVar (database versions not stated): gnomAD 0.00003; TOPMed 0.00006; gnomAD exomes 0.00001.
gnomAD v4.1: 8 of 1,613,572 alleles (0.0005%); highest among the groups gnomAD compares: Admixed American, 0.012%; no homozygotes.

Submission:

Ambry Genetics
Classification: Uncertain significance for Cardiovascular phenotype. Last evaluated: 2022-07-03. Review status: criteria provided, single submitter. Criteria: Ambry Variant Classification Scheme 2023. Collection method: clinical testing. Allele origin: germline.
Comment: The p.L2285V variant (also known as c.6853T>G), located in coding exon 26 of the APOB gene, results from a T to G substitution at nucleotide position 6853. The leucine at codon 2285 is replaced by valine, an amino acid with highly similar properties. This amino acid position is conserved. In addition, this alteration is predicted to be tolerated by in silico analysis. Since supporting evidence is limited at this time, the clinical significance of this alteration remains unclear.

NM_000384.3(APOB):c.6853T>G (p.Leu2285Val)

Gene: APOB (apolipoprotein B; minus strand). Cytogenetic location: 2p24.1.
Variant type: single nucleotide variant.
Coding change: c.6853T>G on transcript NM_000384.3 (MANE Select); coding-DNA position 6853, T replaced by G.
Protein change: p.Leu2285Val; replaces leucine 2285 with valine.
Molecular consequence: missense variant.
Genome position (GRCh38, 1-based): chr2:21,010,015, A>C on the plus strand (T>G on the coding strand, the complement: APOB is on the minus strand). VCF-style: chr2-21010015-A-C. GRCh37 (hg19) VCF-style: chr2-21232887-A-C.
Other names: short protein forms L2285V.
Identifiers: ClinVar variation 1755808 (VCV001755808.2), dbSNP rs1296527554, ClinGen allele CA346000489.